The following is an entry in ClinVar:

NM_031475.3(ESPN):c.2061G>A (p.Gln687=)

Gene: ESPN (espin; plus strand). Cytogenetic location: 1p36.31.
Variant type: single nucleotide variant.
Coding change: c.2061G>A on transcript NM_031475.3 (MANE Select); coding-DNA position 2061, G replaced by A.
Protein change: p.Gln687=; no amino-acid change (glutamine 687 retained).
Molecular consequence: synonymous variant.
Genome position (GRCh38, 1-based): chr1:6,451,748, G>A. VCF-style: chr1-6451748-G-A. GRCh37 (hg19) VCF-style: chr1-6511808-G-A.
Other names: c.1971G>A, p.Gln657= (NM_001367473.1); c.1998G>A, p.Gln666= (NM_001367474.1).
Identifiers: ClinVar variation 3898774 (VCV003898774.1).

ClinVar aggregate classification (germline): Uncertain significance (1 of 4 stars; one submission).

gnomAD v4.1: 10 of 1,612,040 alleles (0.00062%); highest among the groups gnomAD compares: East Asian, 0.022%; no homozygotes.

Submission:

GeneDx
Classification: Uncertain significance. Last evaluated: 2024-11-12. Review status: criteria provided, single submitter. Criteria: GeneDx Variant Classification Process June 2021. Collection method: clinical testing. Allele origin: germline. Affected: yes.
Comment: Has not been previously published as pathogenic or benign to our knowledge; In silico analysis is inconclusive as to whether the variant alters gene splicing. In the absence of RNA/functional studies, the actual effect of this sequence change is unknown.